The following is an entry in ClinVar:

ClinVar aggregate classification (germline): Likely benign. Review status: criteria provided, multiple submitters, no conflicts (2 of 4 stars). 7 submissions from 7 submitters: Likely benign (7). Last evaluated 2025-09-04.

Conditions:
Familial thoracic aortic aneurysm and aortic dissection (TAAD). Also called: Thoracic aortic aneurysms and dissections. Identifiers: Orphanet 91387, MedGen C4707243, MONDO:0019625.
Marfan syndrome (MFS). Also called: Marfan syndrome type 1; Marfan syndrome, classic; Marfan's syndrome; FBN1-Related Marfan Syndrome; MARFAN SYNDROME, TYPE I. Identifiers: Orphanet 284963, Orphanet 558, MedGen C0024796, MONDO:0007947, OMIM 154700.
FBN1-related disorder. Also called: FBN1-related disorders.

Allele frequency attached by ClinVar (database versions not stated): gnomAD exomes 0.00005 and 0.00009; 1000 Genomes Project 0.00020; TOPMed 0.00001; gnomAD 0.00003 and below 0.00001; ExAC 0.00010; 1000 Genomes Project 30x 0.00016.
gnomAD v4.1: 79 of 1,613,702 alleles (0.0049%); highest among the groups gnomAD compares: South Asian, 0.083%; no homozygotes.

Submissions (7):

PreventionGenetics, part of Exact Sciences
Classification: Likely benign for FBN1-related condition. Last evaluated: 2025-09-04. Review status: criteria provided, single submitter. Criteria: ACMG Guidelines, 2015. Collection method: clinical testing. Allele origin: germline.
Comment: This variant is classified as likely benign based on ACMG/AMP sequence variant interpretation guidelines (Richards et al. 2015 PMID: 25741868, with internal and published modifications).

Labcorp Genetics (formerly Invitae), Labcorp
Classification: Likely benign for Marfan syndrome; Familial thoracic aortic aneurysm and aortic dissection. Last evaluated: 2025-05-28. Review status: criteria provided, single submitter. Criteria: Invitae Variant Classification Sherloc (09022015). Collection method: clinical testing. Allele origin: germline.

Blueprint Genetics
Classification: Likely benign. Last evaluated: 2024-11-15. Review status: criteria provided, single submitter. Criteria: ACMG Guidelines, 2015. Collection method: clinical testing. Allele origin: germline.

All of Us Research Program, National Institutes of Health
Classification: Likely benign for Marfan syndrome. Last evaluated: 2024-04-25. Review status: criteria provided, single submitter. Criteria: ACMG Guidelines, 2015. Collection method: clinical testing. Allele origin: germline. Inheritance: Autosomal dominant inheritance. Observed: 2 variant alleles, 2 heterozygotes.
Comment: This study involves interpretation of variants in research participants for the purpose of population health screening. Participant phenotype was not available at the time of variant classification. Additional details can be found in publication PMID: 35346344, PMCID: PMC8962531

Ambry Genetics
Classification: Likely benign for Familial thoracic aortic aneurysm and aortic dissection. Last evaluated: 2023-06-28. Review status: criteria provided, single submitter. Criteria: Ambry Variant Classification Scheme 2023. Collection method: clinical testing. Allele origin: germline.

Color Diagnostics, LLC DBA Color Health
Classification: Likely benign for Familial thoracic aortic aneurysm and aortic dissection. Last evaluated: 2019-05-28. Review status: criteria provided, single submitter. Criteria: ACMG Guidelines, 2015. Collection method: clinical testing. Allele origin: germline.

GeneDx
Classification: Likely benign. Last evaluated: 2017-07-13. Review status: criteria provided, single submitter. Criteria: GeneDx Variant Classification (06012015). Collection method: clinical testing. Allele origin: germline. Affected: yes.
Comment: This variant is considered likely benign or benign based on one or more of the following criteria: it is a conservative change, it occurs at a poorly conserved position in the protein, it is predicted to be benign by multiple in silico algorithms, and/or has population frequency not consistent with disease.

NM_000138.5(FBN1):c.3078C>T (p.Phe1026=)

Gene: FBN1 (fibrillin 1; minus strand). Cytogenetic location: 15q21.1.
Variant type: single nucleotide variant.
Coding change: c.3078C>T on transcript NM_000138.5 (MANE Select); coding-DNA position 3078, C replaced by T.
Protein change: p.Phe1026=; no amino-acid change (phenylalanine 1026 retained).
Molecular consequence: synonymous variant.
Genome position (GRCh38, 1-based): chr15:48,489,855, G>A on the plus strand (C>T on the coding strand, the complement: FBN1 is on the minus strand). VCF-style: chr15-48489855-G-A. GRCh37 (hg19) VCF-style: chr15-48782052-G-A.
Identifiers: ClinVar variation 517054 (VCV000517054.18), dbSNP rs553411757, ClinGen allele CA049714.
Genomic context (GRCh38, chr15:48,489,855, plus strand): 5'-GCATCCTATTTGTCTAAAAAGGGAGGCAATTGGCCATGGAAAACGTAACATTGTACCTTT[G>A]AAGAAAGGCTTTCCATTTGTAATTTCTTTTGTGGCAAATCCGGGTCCTCTCGGACACAGC-3'
Protein context (NP_000129.3, residues 1016-1036): TKEITNGKPF[Phe1026=]KDINECKMIP